The following is an entry in ClinVar:

ClinVar aggregate classification (germline): Uncertain significance (1 of 4 stars; one submission).

Conditions:
Wiskott-Aldrich syndrome 2 (WAS2). Also called: WIPF1 DEFICIENCY. Identifiers: Orphanet 906, MedGen C3281001, MONDO:0013779, OMIM 614493.

Submission:

Labcorp Genetics (formerly Invitae), Labcorp
Classification: Uncertain significance for Wiskott-Aldrich syndrome 2. Last evaluated: 2024-02-17. Review status: criteria provided, single submitter. Criteria: Invitae Variant Classification Sherloc (09022015). Collection method: clinical testing. Allele origin: germline.
Comment: This sequence change replaces glycine, which is neutral and non-polar, with alanine, which is neutral and non-polar, at codon 202 of the WIPF1 protein (p.Gly202Ala). This variant is not present in population databases (gnomAD no frequency). This variant has not been reported in the literature in individuals affected with WIPF1-related conditions. ClinVar contains an entry for this variant (Variation ID: 946091). An algorithm developed to predict the effect of missense changes on protein structure and function (PolyPhen-2) suggests that this variant is likely to be disruptive. In summary, the available evidence is currently insufficient to determine the role of this variant in disease. Therefore, it has been classified as a Variant of Uncertain Significance.

NM_001375834.1(WIPF1):c.605G>C (p.Gly202Ala)

Gene: WIPF1 (WAS/WASL interacting protein family member 1; minus strand). Cytogenetic location: 2q31.1.
Variant type: single nucleotide variant.
Coding change: c.605G>C on transcript NM_001375834.1 (MANE Select); coding-DNA position 605, G replaced by C.
Protein change: p.Gly202Ala; replaces glycine 202 with alanine.
Molecular consequence: missense variant.
Genome position (GRCh38, 1-based): chr2:174,572,200, C>G on the plus strand (G>C on the coding strand, the complement: WIPF1 is on the minus strand). VCF-style: chr2-174572200-C-G. GRCh37 (hg19) VCF-style: chr2-175436928-C-G.
Other names: c.605G>C, p.Gly202Ala (NM_001077269.1, NM_001375832.1, NM_001375833.1 and 5 more transcripts); c.227G>C, p.Gly76Ala (NM_001375839.1); short protein forms G202A, G76A.
Identifiers: ClinVar variation 946091 (VCV000946091.8), dbSNP rs1684887381, ClinGen allele CA349342609.